The following is an entry in ClinVar:

NM_006393.3(NEBL):c.1339-20T>C

Gene: NEBL (nebulette; minus strand). Cytogenetic location: 10p12.31.
Variant type: single nucleotide variant.
Coding change: c.1339-20T>C on transcript NM_006393.3 (MANE Select); 20 bases into the intron before coding-DNA position 1339, T replaced by C.
Molecular consequence: intron variant.
Genome position (GRCh38, 1-based): chr10:20,835,643, A>G on the plus strand (T>C on the coding strand, the complement: NEBL is on the minus strand). VCF-style: chr10-20835643-A-G. GRCh37 (hg19) VCF-style: chr10-21124572-A-G.
Other names: c.250-22703T>C (NM_001377326.1, NM_001377327.1, NM_001377328.1); c.358-22703T>C (NM_213569.2, NM_001173484.2, NM_001377322.1); c.301-22703T>C (NM_001377324.1); c.292-22703T>C (NM_001377325.1); c.310-22703T>C (NM_001377323.1).
Identifiers: ClinVar variation 516392 (VCV000516392.9), dbSNP rs370957821, ClinGen allele CA5432900.

ClinVar aggregate classification (germline): Likely benign. Review status: criteria provided, multiple submitters, no conflicts (2 of 4 stars). 2 submissions from 2 submitters: Likely benign (2). Last evaluated 2024-04-17.

Conditions:
Primary dilated cardiomyopathy (DCM). Also called: Dilated Cardiomyopathy. Identifiers: Orphanet 217604, MedGen C0007193, MeSH D002311, MONDO:0005021, HP:0001644. Inheritance: Various modes of inheritance.

Allele frequency attached by ClinVar (database versions not stated): gnomAD 0.00006 and 0.00008; ESP Exome Variant Server 0.00008; gnomAD exomes 0.00008 and 0.00011; ExAC 0.00010; TOPMed 0.00010.
gnomAD v4.1: 163 of 1,531,510 alleles (0.011%); highest among the groups gnomAD compares: Non-Finnish European, 0.014%; no homozygotes.

Submissions (2):

Labcorp Genetics (formerly Invitae), Labcorp
Classification: Likely benign for Primary dilated cardiomyopathy. Last evaluated: 2024-04-17. Review status: criteria provided, single submitter. Criteria: Invitae Variant Classification Sherloc (09022015). Collection method: clinical testing. Allele origin: germline.

GeneDx
Classification: Likely benign. Last evaluated: 2017-03-30. Review status: criteria provided, single submitter. Criteria: GeneDx Variant Classification (06012015). Collection method: clinical testing. Allele origin: germline. Affected: yes.
Comment: This variant is considered likely benign or benign based on one or more of the following criteria: it is a conservative change, it occurs at a poorly conserved position in the protein, it is predicted to be benign by multiple in silico algorithms, and/or has population frequency not consistent with disease.